The following is an entry in ClinVar:

NM_024675.4(PALB2):c.2021A>T (p.Asp674Val)

Gene: PALB2 (partner and localizer of BRCA2; minus strand). Cytogenetic location: 16p12.2.
Variant type: single nucleotide variant.
Coding change: c.2021A>T on transcript NM_024675.4 (MANE Select); coding-DNA position 2021, A replaced by T.
Protein change: p.Asp674Val; replaces aspartic acid 674 with valine.
Molecular consequence: missense variant.
Genome position (GRCh38, 1-based): chr16:23,630,133, T>A on the plus strand (A>T on the coding strand, the complement: PALB2 is on the minus strand). VCF-style: chr16-23630133-T-A. GRCh37 (hg19) VCF-style: chr16-23641454-T-A.
Other names: short protein forms D674V.
Identifiers: ClinVar variation 419213 (VCV000419213.11), dbSNP rs1064793726, ClinGen allele CA16620139.

ClinVar aggregate classification (germline): Uncertain significance. Review status: criteria provided, multiple submitters, no conflicts (2 of 4 stars). 3 submissions from 3 submitters: Uncertain significance (3). Last evaluated 2025-03-02.

Conditions:
Hereditary cancer-predisposing syndrome. Also called: Hereditary neoplastic syndrome; Tumor predisposition; Neoplastic Syndromes, Hereditary; Hereditary Cancer Syndrome. Identifiers: Orphanet 140162, MedGen C0027672, MeSH D009386, MONDO:0015356.
Familial cancer of breast. Also called: Hereditary breast cancer; BREAST CANCER, FAMILIAL; hereditary breast carcinoma. Identifiers: Orphanet 227535, MedGen C0346153, MONDO:0016419, OMIM 114480. Disease mechanism: loss of function.

Submissions (3):

Ambry Genetics
Classification: Uncertain significance for Hereditary cancer-predisposing syndrome. Last evaluated: 2025-03-02. Review status: criteria provided, single submitter. Criteria: Ambry Variant Classification Scheme 2023. Collection method: clinical testing. Allele origin: germline.
Comment: The p.D674V variant (also known as c.2021A>T), located in coding exon 5 of the PALB2 gene, results from an A to T substitution at nucleotide position 2021. The aspartic acid at codon 674 is replaced by valine, an amino acid with highly dissimilar properties. This amino acid position is conserved. In addition, this alteration is predicted to be tolerated by in silico analysis. Based on the available evidence, the clinical significance of this variant remains unclear.

Labcorp Genetics (formerly Invitae), Labcorp
Classification: Uncertain significance for Familial cancer of breast. Last evaluated: 2024-11-27. Review status: criteria provided, single submitter. Criteria: Invitae Variant Classification Sherloc (09022015). Collection method: clinical testing. Allele origin: germline.
Comment: This sequence change replaces aspartic acid, which is acidic and polar, with valine, which is neutral and non-polar, at codon 674 of the PALB2 protein (p.Asp674Val). This variant is not present in population databases (gnomAD no frequency). This variant has not been reported in the literature in individuals affected with PALB2-related conditions. ClinVar contains an entry for this variant (Variation ID: 419213). Invitae Evidence Modeling of protein sequence and biophysical properties (such as structural, functional, and spatial information, amino acid conservation, physicochemical variation, residue mobility, and thermodynamic stability) indicates that this missense variant is not expected to disrupt PALB2 protein function with a negative predictive value of 80%. In summary, the available evidence is currently insufficient to determine the role of this variant in disease. Therefore, it has been classified as a Variant of Uncertain Significance.

GeneDx
Classification: Uncertain significance. Last evaluated: 2015-06-15. Review status: criteria provided, single submitter. Criteria: GeneDx Variant Classification (06012015). Collection method: clinical testing. Allele origin: germline. Affected: yes.
Comment: This variant is denoted PALB2 c.2021A>T at the cDNA level, p.Asp674Val (D674V) at the protein level, and results in the change of an Aspartic Acid to a Valine (GAC>GTC). This variant has not, to our knowledge, been published in the literature as pathogenic or benign. PALB2 Asp674Val was not observed in approximately 6,500 individuals of European and African American ancestry in the NHLBI Exome Sequencing Project, indicating it is not a common benign variant in these populations. Since Aspartic Acid and Valine differ in polarity, charge, size or other properties, this is considered a non-conservative amino acid substitution. PALB2 Asp674Val occurs at a position where amino acids with properties similar to Aspartic Acid are tolerated across species and is located within the MORF4L1 binding site region (Teo 2013). In silico analyses are inconsistent regarding the effect this variant may have on protein structure and function. Based on currently available information, it is unclear whether PALB2 Asp674Val is pathogenic or benign. We consider it to be a variant of uncertain significance.